The following is an entry in ClinVar:

ClinVar aggregate classification (germline): Pathogenic (1 of 4 stars; one submission).

Conditions:
Intellectual disability, autosomal recessive 53 (NEDHSCA). Also called: GLYCOSYLPHOSPHATIDYLINOSITOL BIOSYNTHESIS DEFECT 13; Mental retardation, autosomal recessive 53; NEURODEVELOPMENTAL DISORDER WITH OR WITHOUT HYPOTONIA, SEIZURES, AND CEREBELLAR ATROPHY. Identifiers: Orphanet 488635, MedGen C4310794, MONDO:0014832, OMIM 616917.

Submission:

Labcorp Genetics (formerly Invitae), Labcorp
Classification: Pathogenic for Intellectual disability, autosomal recessive 53. Last evaluated: 2023-08-23. Review status: criteria provided, single submitter. Criteria: Invitae Variant Classification Sherloc (09022015). Collection method: clinical testing. Allele origin: germline.
Comment: For these reasons, this variant has been classified as Pathogenic. This sequence change creates a premature translational stop signal (p.Glu604Alafs*12) in the PIGG gene. It is expected to result in an absent or disrupted protein product. Loss-of-function variants in PIGG are known to be pathogenic (PMID: 26996948, 28581210, 28771251). This variant is not present in population databases (gnomAD no frequency). This variant has not been reported in the literature in individuals affected with PIGG-related conditions. Algorithms developed to predict the effect of sequence changes on RNA splicing suggest that this variant may disrupt the consensus splice site.

Literature cited by the submitters: PubMed 26996948; PubMed 28581210; PubMed 28771251.

NM_001127178.3(PIGG):c.1811_1812del (p.Glu604fs)

Gene: PIGG (phosphatidylinositol glycan anchor biosynthesis class G (EMM blood group); plus strand). Cytogenetic location: 4p16.3.
Variant type: Deletion.
Coding change: c.1811_1812del on transcript NM_001127178.3 (MANE Select); coding-DNA positions 1811 to 1812, 2 bases deleted (AG; older notation c.1811_1812delAG).
Protein change: p.Glu604fs; shifts the reading frame from glutamic acid 604.
Molecular consequence: frameshift variant. On other transcripts: non-coding transcript variant (6).
Genome position (GRCh38, 1-based): chr4:523,655-523,656, AG deleted; deleting any 2 consecutive bases within chr4:523,654-523,656 gives the same sequence; the c. name uses the placement nearest the transcript's 3' end. VCF-style (leftmost placement, unchanged base first): chr4-523653-TGA-T. GRCh37 (hg19) VCF-style: chr4-517442-TGA-T.
Other names: c.1544_1545del, p.Glu515fs (NM_001289051.2, NM_001345986.2); c.1412_1413del, p.Glu471fs (NM_001289052.2); c.1520_1521del, p.Glu507fs (NM_001345987.2); c.782_783del, p.Glu261fs (NM_001345988.2); c.278_279del, p.Glu93fs (NM_001345990.2, NM_001345991.2); c.713_714del, p.Glu238fs (NM_001345994.2); c.1787_1788del, p.Glu596fs (NM_017733.5); short protein forms E471fs, E596fs, E604fs, E238fs, E261fs, E507fs, E515fs, E93fs.
Identifiers: ClinVar variation 2754510 (VCV002754510.3), dbSNP rs2474932815, ClinGen allele CA2697557047.